The following is an entry in ClinVar:

ClinVar aggregate classification (germline): Uncertain significance (1 of 4 stars; one submission).

Submission:

Labcorp Genetics (formerly Invitae), Labcorp
Classification: Uncertain significance. Last evaluated: 2022-12-06. Review status: criteria provided, single submitter. Criteria: Invitae Variant Classification Sherloc (09022015). Collection method: clinical testing. Allele origin: germline.
Comment: In summary, the available evidence is currently insufficient to determine the role of this variant in disease. Therefore, it has been classified as a Variant of Uncertain Significance. Advanced modeling of protein sequence and biophysical properties (such as structural, functional, and spatial information, amino acid conservation, physicochemical variation, residue mobility, and thermodynamic stability) performed at Invitae indicates that this missense variant is not expected to disrupt KCNJ13 protein function. This variant has not been reported in the literature in individuals affected with KCNJ13-related conditions. This variant is not present in population databases (gnomAD no frequency). This sequence change replaces threonine, which is neutral and polar, with isoleucine, which is neutral and non-polar, at codon 97 of the KCNJ13 protein (p.Thr97Ile).

NM_002242.4(KCNJ13):c.290C>T (p.Thr97Ile)

Genes: KCNJ13 (potassium inwardly rectifying channel subfamily J member 13; minus strand), GIGYF2 (GRB10 interacting GYF protein 2; plus strand). Cytogenetic location: 2q37.1.
Variant type: single nucleotide variant.
Coding change: c.290C>T on transcript NM_002242.4 (MANE Select); coding-DNA position 290, C replaced by T.
Protein change: p.Thr97Ile; replaces threonine 97 with isoleucine.
Molecular consequence: missense variant. On other transcripts: intron variant (5).
Genome position (GRCh38, 1-based): chr2:232,771,073, G>A on the plus strand (C>T on the coding strand, the complement: KCNJ13 is on the minus strand). VCF-style: chr2-232771073-G-A. GRCh37 (hg19) VCF-style: chr2-233635783-G-A.
Other names: c.50C>T, p.Thr17Ile (NM_001172417.1); c.532+9637G>A (NM_001103146.3, NM_015575.4, NM_001103148.2); c.533-5339G>A (NM_001103147.2); c.224+66C>T (NM_001172416.1); short protein forms T97I, T17I.
Identifiers: ClinVar variation 2055299 (VCV002055299.4), dbSNP rs2469813044, ClinGen allele CA351013750.